The following is an entry in ClinVar:

ClinVar aggregate classification (germline): Uncertain significance (1 of 4 stars; one submission).

Conditions:
Fanconi anemia complementation group O. Also called: RAD51C-Related Fanconi Anemia. Identifiers: Orphanet 84, MedGen C3150653, MONDO:0013248, OMIM 613390.

Submission:

Labcorp Genetics (formerly Invitae), Labcorp
Classification: Uncertain significance for Fanconi anemia complementation group O. Last evaluated: 2021-01-14. Review status: criteria provided, single submitter. Criteria: Invitae Variant Classification Sherloc (09022015). Collection method: clinical testing. Allele origin: germline.
Comment: This variant has not been reported in the literature in individuals with RAD51C-related conditions. This variant is not present in population databases (ExAC no frequency). This sequence change replaces proline with arginine at codon 18 of the RAD51C protein (p.Pro18Arg). The proline residue is moderately conserved and there is a moderate physicochemical difference between proline and arginine. Algorithms developed to predict the effect of missense changes on protein structure and function are either unavailable or do not agree on the potential impact of this missense change (SIFT: "Tolerated"; PolyPhen-2: "Probably Damaging"; Align-GVGD: "Class C0"). In summary, the available evidence is currently insufficient to determine the role of this variant in disease. Therefore, it has been classified as a Variant of Uncertain Significance.

NM_058216.3(RAD51C):c.53C>G (p.Pro18Arg)

Gene: RAD51C (RAD51 paralog C; plus strand). Cytogenetic location: 17q22.
Variant type: single nucleotide variant.
Coding change: c.53C>G on transcript NM_058216.3 (MANE Select); coding-DNA position 53, C replaced by G.
Protein change: p.Pro18Arg; replaces proline 18 with arginine.
Molecular consequence: missense variant. On other transcripts: non-coding transcript variant (1).
Genome position (GRCh38, 1-based): chr17:58,692,696, C>G. VCF-style: chr17-58692696-C-G. GRCh37 (hg19) VCF-style: chr17-56770057-C-G.
Other names: c.53C>G, p.Pro18Arg (NM_002876.4); short protein forms P18R.
Identifiers: ClinVar variation 945688 (VCV000945688.9), dbSNP rs754498936, ClinGen allele CA400336700.